The following is an entry in ClinVar:

ClinVar aggregate classification (germline): Pathogenic. Review status: reviewed by expert panel (3 of 4 stars). 15 submissions from 15 submitters: Pathogenic (1). 14 of the submissions do not count toward it. Last evaluated 2023-05-09.

Conditions:
Complex neurodevelopmental disorder. Identifiers: Orphanet 528084, MedGen C5568766, MONDO:0100038.
Developmental and epileptic encephalopathy, 11 (DEE11). Also called: Early infantile epileptic encephalopathy 11. Identifiers: Orphanet 1934, MedGen C3150987, MONDO:0013388, OMIM 613721.
West syndrome. Also called: Infantile epileptic spasms syndrome. Identifiers: Orphanet 3451, Orphanet 697160, MedGen C0037769, MONDO:0018097. Disease mechanism: loss of function.
Seizures, benign familial infantile, 3 (BFIS3). Also called: Familial neonatal seizures; CONVULSIONS, BENIGN FAMILIAL INFANTILE, 3. Identifiers: Orphanet 140927, Orphanet 306, MedGen C1843140, MONDO:0011904, OMIM 607745.

Submissions 1 to 12 of 16:

ClinGen Epilepsy Sodium Channel Variant Curation Expert Panel, Clingen
Classification: Pathogenic for Complex neurodevelopmental disorder. Last evaluated: 2023-05-09. Review status: reviewed by expert panel. Criteria: ClinGen EpilepsySCN ACMG Specifications SCN2A V1.0.0. Collection method: curation. Allele origin: germline. Inheritance: Autosomal dominant inheritance.
Comment: The c.2558G>A variant in SCN2A is a missense variant predicted to cause subsitution of arginine by glutamine at amino acid 853 (p.Arg853Gln). This variant has been identified as a de novo occurrence with confirmed parental relationships in at least 4 individual(s) identified in the published literature (PMIDs: 23935176 , 23934111, 31139143, 28708303], with additional evidence published reports available (PS2). It is absent from gnomAD v2.1.1 (PM2_Supporting). Heterologous expression assay with voltage clamping showed a decrease in peak current of 51%, which is below the threshold of 72.1%, evidence that correlates with PS3. It is a missense variant that resides within a pathogenic enriched region that is defined as a mutational hotspot (PM1). The computational predictor REVEL gives a score of 0.95, which is above the threshold of 0.773, evidence that correlates with a maximum strength of PP3_Moderate. In summary, this variant meets the criteria to be classified as PATHOGENIC for AUTOSOMAL DOMINANT COMPLEX NEURODEVELOPMENTAL DISORDER based on the ACMG/AMP criteria applied, as specified by the ClinGen Epilepsy Sodium Channel VCEP: PS2, PS3, PP3_Moderate, PM2_Supporting. (Epilepsy Sodium Channel VCEP specifications version 1.0)

Institute of Immunology and Genetics Kaiserslautern
Classification: Pathogenic for Developmental and epileptic encephalopathy, 11. Last evaluated: 2026-01-09. Review status: criteria provided, single submitter. Criteria: ACMG Guidelines, 2015. Collection method: clinical testing. Allele origin: de novo. Affected: yes. Not counted in ClinVar's aggregate classification.
Comment: ACMG Criteria: PS2, PS3, PM1, PM2_P, PP3; Variant was found in a heterozygous state. De novo-status was confirmed via in-house segregation analysis.

Dasa
Classification: Pathogenic. Last evaluated: 2025-05-29. Review status: criteria provided, single submitter. Criteria: DASA Assertion Criteria. Collection method: clinical testing. Allele origin: germline. Not counted in ClinVar's aggregate classification.
Comment: NM_001040142.2(SCN2A):c.2558G>A (p.Arg853Gln) is a missense variant that results in the substitution of arginine with glutamine. The affected residue or protein region has prior evidence supporting clinical relevance. De novo occurrence has been reported in an individual with related phenotype. Functional evidence supports a deleterious effect on the gene or gene product (PMID: 28379373; PMID: 29844171; PMID: 23935176; PMID: 25772804; PMID: 29186148). This variant has been recurrently observed in individuals with related phenotype (PMID: 28379373; PMID: 29844171; PMID: 23935176; PMID: 25772804; PMID: 29186148). Multiple computational predictions support a deleterious effect on the gene or gene product. The variant is present at low frequency in population datasets. Based on the available data, this variant is classified as pathogenic.

Labcorp Genetics (formerly Invitae), Labcorp
Classification: Pathogenic for Seizures, benign familial infantile, 3; Developmental and epileptic encephalopathy, 11. Last evaluated: 2025-03-12. Review status: criteria provided, single submitter. Criteria: Invitae Variant Classification Sherloc (09022015). Collection method: clinical testing. Allele origin: germline. Not counted in ClinVar's aggregate classification.
Comment: This sequence change replaces arginine, which is basic and polar, with glutamine, which is neutral and polar, at codon 853 of the SCN2A protein (p.Arg853Gln). This variant is not present in population databases (gnomAD no frequency). This missense change has been observed in individual(s) with West syndrome (PMID: 23935176, 25772804, 28379373, 29186148). In at least one individual the variant was observed to be de novo. ClinVar contains an entry for this variant (Variation ID: 194555). Invitae Evidence Modeling of protein sequence and biophysical properties (such as structural, functional, and spatial information, amino acid conservation, physicochemical variation, residue mobility, and thermodynamic stability) indicates that this missense variant is expected to disrupt SCN2A protein function with a positive predictive value of 95%. For these reasons, this variant has been classified as Pathogenic.

Institute of Human Genetics Munich, TUM University Hospital
Classification: Pathogenic for Developmental and epileptic encephalopathy, 11. Last evaluated: 2024-07-22. Review status: criteria provided, single submitter. Criteria: Classification criteria August 2017. Collection method: clinical testing. Allele origin: de novo. Inheritance: Autosomal dominant inheritance. Affected: yes. Observed: 1 variant allele. Not counted in ClinVar's aggregate classification.

3billion
Classification: Pathogenic for Developmental and epileptic encephalopathy, 11. Last evaluated: 2024-01-26. Review status: criteria provided, single submitter. Criteria: ACMG Guidelines, 2015. Collection method: clinical testing. Allele origin: germline. Affected: yes. Not counted in ClinVar's aggregate classification.
Comment: The variant is not observed in the gnomAD v2.1.1 dataset. Predicted Consequence/Location: Missense variant In silico tool predictions suggest damaging effect of the variant on gene or gene product [REVEL: 0.95 (>=0.6, sensitivity 0.68 and specificity 0.92); 3Cnet: 1.00 (>=0.6, sensitivity 0.72 and precision 0.9)]. Same nucleotide change resulting in same amino acid change has been previously reported as pathogenic/likely pathogenic with strong evidence (ClinVar ID: VCV000194555 /PMID: 23935176). The variant has been observed in multiple (>3) similarly affected unrelated individuals (PMID: 28379373). A different missense change at the same codon (p.Arg853Pro) has been reported to be associated with SCN2A related disorder (ClinVar ID: VCV001451854). Therefore, this variant is classified as Pathogenic according to the recommendation of ACMG/AMP guideline.

GeneDx
Classification: Pathogenic. Last evaluated: 2021-11-12. Review status: criteria provided, single submitter. Criteria: GeneDx Variant Classification Process June 2021. Collection method: clinical testing. Allele origin: germline. Affected: yes. Not counted in ClinVar's aggregate classification.
Comment: Not observed at significant frequency in large population cohorts (gnomAD); The majority of missense variants in this gene are considered pathogenic (HGMD); In silico analysis supports that this missense variant has a deleterious effect on protein structure/function; This variant is associated with the following publications: (PMID: 26482601, 32090326, 24866042, 25772804, 23935176, 25459969, 23934111, 29056246, 28708303, 28628100, 28379373, 29186148, 30174244, 29844171, 30619928, 29655203, 31139143, 31558572, 32860008, 32005694, 33278787, 31031587, 31175295, 33731876, 34093402, 34287911)

Athena Diagnostics
Classification: Pathogenic. Last evaluated: 2017-10-31. Review status: criteria provided, single submitter. Criteria: Athena Diagnostics Criteria. Collection method: clinical testing. Allele origin: germline. Not counted in ClinVar's aggregate classification.

Fulgent Genetics
Classification: Pathogenic for Seizures, benign familial infantile, 3; Developmental and epileptic encephalopathy, 11. Last evaluated: 2017-05-18. Review status: criteria provided, single submitter. Criteria: ACMG Guidelines, 2015. Collection method: clinical testing. Allele origin: unknown. Not counted in ClinVar's aggregate classification.

Groupe Hospitalier Pitie Salpetriere, Uf Genomique Du Developpement, Assistance Publique Hopitaux de Paris Sorbonne Université
Classification: Pathogenic for Epileptic encephalopathy, early infantile, 11. Last evaluated: 2017-01-06. Review status: criteria provided, single submitter. Criteria: ACMG Guidelines, 2015. Collection method: clinical testing. Allele origin: de novo. Affected: yes. Observed: 1 variant allele. Not counted in ClinVar's aggregate classification.
Comment: Intellectual disability.severe; epilepsy (spasms); dysmorphism

Eurofins Ntd Llc (ga)
Classification: Pathogenic. Last evaluated: 2015-03-18. Review status: criteria provided, single submitter. Criteria: EGL Classification Definitions 2015. Collection method: clinical testing. Allele origin: germline. Observed: 1 variant allele, 1 heterozygote. Not counted in ClinVar's aggregate classification.

UCLA Clinical Genomics Center, UCLA
Classification: Likely pathogenic for Early infantile epileptic encephalopathy 11. Last evaluated: 2013-06-18. Review status: criteria provided, single submitter. Criteria: Lee et al. (JAMA. 2014). Collection method: clinical testing. Allele origin: de novo. Inheritance: Autosomal dominant inheritance. Affected: yes. Study: CES. Not counted in ClinVar's aggregate classification.

NM_001040142.2(SCN2A):c.2558G>A (p.Arg853Gln)

Gene: SCN2A (sodium voltage-gated channel alpha subunit 2; plus strand). Cytogenetic location: 2q24.3.
Variant type: single nucleotide variant.
Coding change: c.2558G>A on transcript NM_001040142.2 (MANE Select); coding-DNA position 2558, G replaced by A.
Protein change: p.Arg853Gln; replaces arginine 853 with glutamine.
Molecular consequence: missense variant.
Genome position (GRCh38, 1-based): chr2:165,342,465, G>A. VCF-style: chr2-165342465-G-A. GRCh37 (hg19) VCF-style: chr2-166198975-G-A.
Other names: p.R853Q:CGG>CAG; NM_021007.3:c.2558G>A; c.2558G>A, p.Arg853Gln (NM_001040143.2, NM_001371246.1, NM_001371247.1 and 1 more transcripts); short protein forms R853Q.
Identifiers: ClinVar variation 194555 (VCV000194555.34), dbSNP rs794727152, ClinGen allele CA210022.